The following is an entry in ClinVar:

ClinVar aggregate classification (germline): Likely benign (1 of 4 stars; one submission).

Allele frequency attached by ClinVar (database versions not stated): gnomAD exomes 0.00023; ExAC 0.00036; ESP Exome Variant Server 0.00054; gnomAD 0.00086 and 0.00091; TOPMed 0.00101; 1000 Genomes Project 0.00120; 1000 Genomes Project 30x 0.00125.

Submission:

GeneDx
Classification: Likely benign. Last evaluated: 2018-03-06. Review status: criteria provided, single submitter. Criteria: GeneDx Variant Classification (06012015). Collection method: clinical testing. Allele origin: germline. Affected: yes.
Comment: This variant is considered likely benign or benign based on one or more of the following criteria: it is a conservative change, it occurs at a poorly conserved position in the protein, it is predicted to be benign by multiple in silico algorithms, and/or has population frequency not consistent with disease.

NM_025207.5(FLAD1):c.-27A>G

Gene: FLAD1 (flavin adenine dinucleotide synthetase 1; plus strand). Cytogenetic location: 1q21.3.
Variant type: single nucleotide variant.
Coding change: c.-27A>G on transcript NM_025207.5 (MANE Select); 27 bases upstream of the start codon, A replaced by G.
Molecular consequence: 5 prime UTR variant. On other transcripts: intron variant (3).
Genome position (GRCh38, 1-based): chr1:154,983,668, A>G. VCF-style: chr1-154983668-A-G. GRCh37 (hg19) VCF-style: chr1-154956144-A-G.
Other names: c.-144-174A>G (NM_001184891.2, NM_201398.3); c.-789-174A>G (NM_001184892.2).
Identifiers: ClinVar variation 388265 (VCV000388265.1), dbSNP rs373075625, ClinGen allele CA1134213.